The following is an entry in ClinVar:

NM_016156.6(MTMR2):c.1746del (p.Arg582fs)

Gene: MTMR2 (myotubularin related protein 2; minus strand). Cytogenetic location: 11q21.
Variant type: Deletion.
Coding change: c.1746del on transcript NM_016156.6 (MANE Select); coding-DNA position 1746, one base deleted (G; older notation c.1746delG).
Protein change: p.Arg582fs; shifts the reading frame from arginine 582.
Molecular consequence: frameshift variant.
Genome position (GRCh38, 1-based): chr11:95,836,172, C deleted on the plus strand (G on the coding strand, the reverse complement: MTMR2 is on the minus strand); the first of 2 consecutive C bases (chr11:95,836,172-95,836,173); deleting either gives the same sequence. VCF-style (leftmost placement, unchanged base first): chr11-95836171-AC-A. GRCh37 (hg19) VCF-style: chr11-95569335-AC-A.
Other names: c.1746delG (NM_016156.5); c.1530del, p.Arg510fs (NM_001243571.2, NM_201278.3, NM_201281.3); short protein forms R510fs, R582fs.
Identifiers: ClinVar variation 1779299 (VCV001779299.2), dbSNP rs2496397705, ClinGen allele CA2580085088.
Genomic context (GRCh38, chr11:95,836,171, plus strand): 5'-GAATGAAAACTCCCATTGTATATTGTAAGGCACATACCTGTGGTTTCATCCGTGGATTCC[AC>A]CTTATGTAATATCCCACCCAGAGCTCTAGGTGGCGCATGCTGGCTACTGGATAAAGGACA-3'

ClinVar aggregate classification (germline): Likely pathogenic (1 of 4 stars; one submission).

Conditions:
Inborn genetic diseases. Identifiers: MedGen C0950123, MeSH D030342.

Submission:

Ambry Genetics
Classification: Likely pathogenic for Inborn genetic diseases. Last evaluated: 2020-02-28. Review status: criteria provided, single submitter. Criteria: Ambry Variant Classification Scheme 2023. Collection method: clinical testing. Allele origin: germline.
Comment: The c.1746delG variant, located in coding exon 14 of the MTMR2 gene, results from a deletion of one nucleotide at nucleotide position 1746, causing a translational frameshift with a predicted alternate stop codon (p.R582Sfs*6). This frameshift occurs at the 3' terminus of MTMR2, is not expected to trigger nonsense-mediated mRNA decay, and impacts only the last 62 amino acids of the protein. This variant is predicted to disrupt the coiled-coil domain and PDZ binding motif in the C-terminal region. The coiled-coil domain is involved in homodimerization of MTMR2, as well as heterodimerization of MTMR2 with MTMR5 and MTMR13; the dimerization may be involved in the regulation of MTMR2 (Berger P et al. Proc. Natl. Acad. Sci. U.S.A., 2003 Oct;100:12177-82; Kim SA et al. Proc. Natl. Acad. Sci. U.S.A., 2003 Apr;100:4492-7; Robinson FL et al. J. Biol. Chem., 2005 Sep;280:31699-707). The PDZ domain of MTMR2 interacts with PDZ domains of PSD-95 (excitatory postsynaptic scaffolding protein), and this interaction may be important to the synaptic localization of MTMR2 (Lee HW et al. J. Neurosci., 2010 Apr;30:5508-18). In addition, this variant was not reported in population-based cohorts in the Genome Aggregation Database (gnomAD). Based on the majority of available evidence to date, this variant is likely to be pathogenic.

Literature cited by the submitters: PubMed 12668758; PubMed 14530412; PubMed 15998640; PubMed 20410104; PubMed 31070812.